The following is an entry in ClinVar:

NM_001382391.1(CSPP1):c.206A>G (p.Asp69Gly)

Gene: CSPP1 (centrosome and spindle pole associated protein 1; plus strand). Cytogenetic location: 8q13.1.
Variant type: single nucleotide variant.
Coding change: c.206A>G on transcript NM_001382391.1 (MANE Select); coding-DNA position 206, A replaced by G.
Protein change: p.Asp69Gly; replaces aspartic acid 69 with glycine.
Molecular consequence: missense variant. On other transcripts: 5 prime UTR variant (1).
Genome position (GRCh38, 1-based): chr8:67,086,013, A>G. VCF-style: chr8-67086013-A-G. GRCh37 (hg19) VCF-style: chr8-67998248-A-G.
Other names: c.-569A>G (NM_001291339.2); c.206A>G, p.Asp69Gly (NM_001363131.2, NM_001363132.2, NM_001363133.2); c.314A>G, p.Asp105Gly (NM_001364869.1, NM_001364870.1, NM_024790.7); short protein forms D105G, D69G.
Identifiers: ClinVar variation 1902162 (VCV001902162.5), dbSNP rs1451810433, ClinGen allele CA371186443.

ClinVar aggregate classification (germline): Uncertain significance (1 of 4 stars; one submission).

Conditions:
Joubert syndrome 21 (JBTS21). Identifiers: MedGen C3810212, MONDO:0014288, OMIM 615636.

Allele frequency attached by ClinVar (database versions not stated): gnomAD 0.00001; TOPMed 0.00001.
gnomAD v4.1: 3 of 1,335,778 alleles (0.00022%); highest among the groups gnomAD compares: Admixed American, 0.0017%; no homozygotes.

Submission:

Labcorp Genetics (formerly Invitae), Labcorp
Classification: Uncertain significance for Joubert syndrome 21. Last evaluated: 2022-03-14. Review status: criteria provided, single submitter. Criteria: Invitae Variant Classification Sherloc (09022015). Collection method: clinical testing. Allele origin: germline.
Comment: In summary, the available evidence is currently insufficient to determine the role of this variant in disease. Therefore, it has been classified as a Variant of Uncertain Significance. Algorithms developed to predict the effect of missense changes on protein structure and function are either unavailable or do not agree on the potential impact of this missense change (SIFT: "Deleterious"; PolyPhen-2: "Benign"; Align-GVGD: "Class C0"). This variant has not been reported in the literature in individuals affected with CSPP1-related conditions. This variant is present in population databases (no rsID available, gnomAD no frequency). This sequence change replaces aspartic acid, which is acidic and polar, with glycine, which is neutral and non-polar, at codon 105 of the CSPP1 protein (p.Asp105Gly).